The following is an entry in ClinVar:

ClinVar aggregate classification (germline): Uncertain significance. Review status: criteria provided, multiple submitters, no conflicts (2 of 4 stars). 2 submissions from 2 submitters: Uncertain significance (2). Last evaluated 2024-03-07.

Conditions:
Neurodevelopmental disorder with progressive spasticity and brain white matter abnormalities. Also called: CEREBRAL PALSY, SPASTIC QUADRIPLEGIC, 1. Identifiers: Orphanet 210141, Orphanet 641353, MedGen C5436628, MONDO:0033613, OMIM 619026.
Inborn genetic diseases. Identifiers: MedGen C0950123, MeSH D030342.

Allele frequency attached by ClinVar (database versions not stated): TOPMed 0.00003; gnomAD 0.00005; ESP Exome Variant Server 0.00015.
gnomAD v4.1: 65 of 1,611,046 alleles (0.004%); highest among the groups gnomAD compares: Non-Finnish European, 0.0043%; no homozygotes.

Submissions (2):

Ambry Genetics
Classification: Uncertain significance for Inborn genetic diseases. Last evaluated: 2024-03-07. Review status: criteria provided, single submitter. Criteria: Ambry Variant Classification Scheme 2023. Collection method: clinical testing. Allele origin: germline.

Labcorp Genetics (formerly Invitae), Labcorp
Classification: Uncertain significance for Neurodevelopmental disorder with progressive spasticity and brain white matter abnormalities. Last evaluated: 2022-10-13. Review status: criteria provided, single submitter. Criteria: Invitae Variant Classification Sherloc (09022015). Collection method: clinical testing. Allele origin: germline.
Comment: This sequence change replaces glutamic acid, which is acidic and polar, with aspartic acid, which is acidic and polar, at codon 59 of the GAD1 protein (p.Glu59Asp). This variant is present in population databases (rs138838552, gnomAD 0.009%). This variant has not been reported in the literature in individuals affected with GAD1-related conditions. ClinVar contains an entry for this variant (Variation ID: 1428005). Algorithms developed to predict the effect of missense changes on protein structure and function (SIFT, PolyPhen-2, Align-GVGD) all suggest that this variant is likely to be tolerated. In summary, the available evidence is currently insufficient to determine the role of this variant in disease. Therefore, it has been classified as a Variant of Uncertain Significance.

NM_000817.3(GAD1):c.177G>C (p.Glu59Asp)

Gene: GAD1 (glutamate decarboxylase 1; plus strand). Cytogenetic location: 2q31.1.
Variant type: single nucleotide variant.
Coding change: c.177G>C on transcript NM_000817.3 (MANE Select); coding-DNA position 177, G replaced by C.
Protein change: p.Glu59Asp; replaces glutamic acid 59 with aspartic acid.
Molecular consequence: missense variant.
Genome position (GRCh38, 1-based): chr2:170,829,506, G>C. VCF-style: chr2-170829506-G-C. GRCh37 (hg19) VCF-style: chr2-171686016-G-C.
Other names: c.177G>C (NM_000817.2); c.177G>C, p.Glu59Asp (NM_013445.4); short protein forms E59D.
Identifiers: ClinVar variation 1428005 (VCV001428005.5), dbSNP rs138838552, ClinGen allele CA1962549.